The following is an entry in ClinVar:

ClinVar aggregate classification (germline): Uncertain significance (1 of 4 stars; one submission).

Conditions:
Inborn genetic diseases. Identifiers: MedGen C0950123, MeSH D030342.

gnomAD v4.1: 1 of 1,614,152 alleles (0.000062%); highest among the groups gnomAD compares: Non-Finnish European, 0.000085%; no homozygotes.

Submission:

Ambry Genetics
Classification: Uncertain significance for Inborn genetic diseases. Last evaluated: 2025-06-08. Review status: criteria provided, single submitter. Criteria: Ambry Variant Classification Scheme 2023. Collection method: clinical testing. Allele origin: germline.
Comment: The p.H432R variant (also known as c.1295A>G), located in coding exon 8 of the MECOM gene, results from an A to G substitution at nucleotide position 1295. The histidine at codon 432 is replaced by arginine, an amino acid with highly similar properties. This amino acid position is conserved. In addition, the in silico prediction for this alteration is inconclusive. Based on the available evidence, the clinical significance of this variant remains unclear.

NM_004991.4(MECOM):c.1295A>G (p.His432Arg)

Gene: MECOM (MDS1 and EVI1 complex locus; minus strand). Cytogenetic location: 3q26.2.
Variant type: single nucleotide variant.
Coding change: c.1295A>G on transcript NM_004991.4 (MANE Select); coding-DNA position 1295, A replaced by G.
Protein change: p.His432Arg; replaces histidine 432 with arginine.
Molecular consequence: missense variant. On other transcripts: intron variant (2).
Genome position (GRCh38, 1-based): chr3:169,116,577, T>C on the plus strand (A>G on the coding strand, the complement: MECOM is on the minus strand). VCF-style: chr3-169116577-T-C. GRCh37 (hg19) VCF-style: chr3-168834365-T-C.
Other names: c.926A>G, p.His309Arg (NM_001105077.4); c.731A>G, p.His244Arg (NM_001105078.4, NM_001164000.2, NM_001205194.2 and 4 more transcripts); c.734A>G, p.His245Arg (NM_001163999.2, NM_001366467.2, NM_001366468.2 and 1 more transcripts); c.1295A>G, p.His432Arg (NM_001366466.2); c.1133-810A>G (NM_001366473.2); c.569-810A>G (NM_001366474.2); short protein forms H244R, H432R, H245R, H309R.
Identifiers: ClinVar variation 4053332 (VCV004053332.1).